The following is an entry in ClinVar:

ClinVar aggregate classification (germline): Uncertain significance (0 of 4 stars; one submission).

Conditions:
Prostate cancer. Also called: Malignant tumor of prostate. Identifiers: Orphanet 1331, MedGen C0376358, MONDO:0008315, HP:0012125.

Submission:

Science for Life laboratory,  Karolinska Institutet
Classification: Uncertain significance for Malignant tumor of prostate. Review status: no assertion criteria provided. Collection method: not provided. Allele origin: somatic.
Comment: TumorID:SWE-17
ClinVar note: Converted during submission from Unknown to Uncertain significance.

NM_006157.5(NELL1):c.1666G>T (p.Gly556Ter)

Gene: NELL1 (neural EGFL like 1; plus strand). Cytogenetic location: 11p15.1.
Variant type: single nucleotide variant.
Coding change: c.1666G>T on transcript NM_006157.5 (MANE Select); coding-DNA position 1666, G replaced by T.
Protein change: p.Gly556Ter; replaces glycine 556 with a stop codon.
Molecular consequence: nonsense. On other transcripts: intron variant (1).
Genome position (GRCh38, 1-based): chr11:21,534,394, G>T. VCF-style: chr11-21534394-G-T. GRCh37 (hg19) VCF-style: chr11-21555940-G-T.
Other names: c.1750G>T, p.Gly584Ter (NM_001288713.1); c.1495G>T, p.Gly499Ter (NM_001288714.1); c.1646-25795G>T (NM_201551.2); short protein forms G556*, G499*, G584*.
Identifiers: ClinVar variation 161645 (VCV000161645.2), dbSNP rs193920875, ClinGen allele CA174520.